The following is an entry in ClinVar:

NM_006831.3(CLP1):c.722C>T (p.Ala241Val)

Gene: CLP1 (cleavage factor polyribonucleotide kinase subunit 1; plus strand). Cytogenetic location: 11q12.1.
Variant type: single nucleotide variant.
Coding change: c.722C>T on transcript NM_006831.3 (MANE Select); coding-DNA position 722, C replaced by T.
Protein change: p.Ala241Val; replaces alanine 241 with valine.
Molecular consequence: missense variant.
Genome position (GRCh38, 1-based): chr11:57,660,880, C>T. VCF-style: chr11-57660880-C-T. GRCh37 (hg19) VCF-style: chr11-57428352-C-T.
Other names: c.530C>T, p.Ala177Val (NM_001142597.2); short protein forms A241V, A177V.
Identifiers: ClinVar variation 3696265 (VCV003696265.1).
Genomic context (GRCh38, chr11:57,660,880, plus strand): 5'-CATCTGTGAGTGGCTGTGTCATTAACACCTGTGGCTGGGTCAAGGGCTCTGGTTACCAGG[C>T]TCTGGTGCATGCAGCCTCAGCTTTTGAGGTGGATGTCGTTGTTGTTCTGGATCAAGAACG-3'
Protein context (NP_006822.1, residues 231-251): CGWVKGSGYQ[Ala241Val]LVHAASAFEV

ClinVar aggregate classification (germline): Uncertain significance (1 of 4 stars; one submission).

gnomAD v4.1: 23 of 1,614,040 alleles (0.0014%); highest among the groups gnomAD compares: South Asian, 0.022%; 1 homozygote.

Submission:

Labcorp Genetics (formerly Invitae), Labcorp
Classification: Uncertain significance. Last evaluated: 2024-03-24. Review status: criteria provided, single submitter. Criteria: Invitae Variant Classification Sherloc (09022015). Collection method: clinical testing. Allele origin: germline.
Comment: This sequence change replaces alanine, which is neutral and non-polar, with valine, which is neutral and non-polar, at codon 241 of the CLP1 protein (p.Ala241Val). This variant is present in population databases (rs543506228, gnomAD 0.03%). This variant has not been reported in the literature in individuals affected with CLP1-related conditions. Advanced modeling of protein sequence and biophysical properties (such as structural, functional, and spatial information, amino acid conservation, physicochemical variation, residue mobility, and thermodynamic stability) performed at Invitae indicates that this missense variant is not expected to disrupt CLP1 protein function with a negative predictive value of 80%. In summary, the available evidence is currently insufficient to determine the role of this variant in disease. Therefore, it has been classified as a Variant of Uncertain Significance.